The following is an entry in ClinVar:

ClinVar aggregate classification (germline): Pathogenic (1 of 4 stars; one submission).

Conditions:
Hereditary cancer-predisposing syndrome. Also called: Neoplastic Syndromes, Hereditary; Tumor predisposition; Hereditary Cancer Syndrome; Hereditary neoplastic syndrome. Identifiers: Orphanet 140162, MedGen C0027672, MeSH D009386, MONDO:0015356.

Submission:

Ambry Genetics
Classification: Pathogenic for Hereditary cancer-predisposing syndrome. Last evaluated: 2021-03-01. Review status: criteria provided, single submitter. Criteria: Ambry Variant Classification Scheme 2023. Collection method: clinical testing. Allele origin: germline.
Comment: The c.2038dupG variant, located in coding exon 11 of the DICER1 gene, results from a duplication of G at nucleotide position 2038, causing a translational frameshift with a predicted alternate stop codon (p.V680Gfs*12). This alteration is expected to result in loss of function by premature protein truncation or nonsense-mediated mRNA decay. As such, this alteration is interpreted as a disease-causing mutation.

NM_177438.3(DICER1):c.2038dup (p.Val680fs)

Gene: DICER1 (dicer 1, ribonuclease III; minus strand). Cytogenetic location: 14q32.13.
Variant type: Duplication.
Coding change: c.2038dup on transcript NM_177438.3 (MANE Select); coding-DNA position 2038, one base duplicated (G; older notation c.2038dupG).
Protein change: p.Val680fs; shifts the reading frame from valine 680.
Molecular consequence: frameshift variant. On other transcripts: non-coding transcript variant (6).
Genome position (GRCh38, 1-based): chr14:95,113,094, C duplicated on the plus strand (G on the coding strand, the reverse complement: DICER1 is on the minus strand). VCF-style (leftmost placement, unchanged base first): chr14-95113093-A-AC. GRCh37 (hg19) VCF-style: chr14-95579430-A-AC.
Other names: c.2038dup, p.Val680fs (NM_001195573.1, NM_001271282.3, NM_001291628.2 and 12 more transcripts); c.2038dup, p.Val680Glyfs (NM_001395681.1); c.1756dup, p.Val586fs (NM_001395686.1); c.1633dup, p.Val545fs (NM_001395687.1, NM_001395688.1, NM_001395689.1 and 3 more transcripts); c.1471dup, p.Val491fs (NM_001395691.1); c.355dup, p.Val119fs (NM_001395697.1); c.2038dupG (NM_177438.2); short protein forms V491fs, V586fs, V119fs, V545fs, V680fs.
Identifiers: ClinVar variation 1784847 (VCV001784847.2), dbSNP rs2542951865, ClinGen allele CA2580088988.
Genomic context (GRCh38, chr14:95,113,093, plus strand): 5'-AAAAAATCCACTAATGACACATTTTAAAAGATAACAATCATTTCTTCTTCTAAACTTACA[A>AC]CAATGGAGGCTCGAAGAGGTGAGTTAATTGGCAGATAAAGAGTTGAATAAAATGTACCAT-3'